The following is an entry in ClinVar:

ClinVar aggregate classification (germline): Uncertain significance. Review status: criteria provided, multiple submitters, no conflicts (2 of 4 stars). 3 submissions from 3 submitters: Uncertain significance (3). Last evaluated 2024-11-08.

Conditions:
Hypotrichosis 14. Identifiers: MedGen C4748930, MONDO:0032649, OMIM 618275.

Submissions (3):

GeneDx
Classification: Uncertain significance. Last evaluated: 2024-11-08. Review status: criteria provided, single submitter. Criteria: GeneDx Variant Classification Process June 2021. Collection method: clinical testing. Allele origin: germline.
Comment: Frameshift variant predicted to result in abnormal protein length as the last 16 amino acid(s) are replaced with 39 different amino acid(s); Has not been previously published as pathogenic or benign to our knowledge

Labcorp Genetics (formerly Invitae), Labcorp
Classification: Uncertain significance. Last evaluated: 2022-09-26. Review status: criteria provided, single submitter. Criteria: Invitae Variant Classification Sherloc (09022015). Collection method: clinical testing. Allele origin: germline.
Comment: This sequence change results in a frameshift in the LSS gene (p.Gly717Serfs*69). While this is not anticipated to result in nonsense mediated decay, it is expected to disrupt the last 16 amino acid(s) of the LSS protein and extend the protein by 52 additional amino acid residues. This variant is present in population databases (rs747990816, gnomAD 0.003%). This frameshift has been observed in individual(s) with congenital hypotrichosis (Invitae). In at least one individual the data is consistent with being in trans (on the opposite chromosome) from a pathogenic variant. Algorithms developed to predict the effect of sequence changes on RNA splicing suggest that this variant may create or strengthen a splice site. In summary, the available evidence is currently insufficient to determine the role of this variant in disease. Therefore, it has been classified as a Variant of Uncertain Significance.

Victorian Clinical Genetics Services, Murdoch Childrens Research Institute
Classification: Uncertain significance for Hypotrichosis 14. Last evaluated: 2022-02-02. Review status: criteria provided, single submitter. Criteria: ACMG Guidelines, 2015. Collection method: clinical testing. Allele origin: germline. Inheritance: Autosomal recessive inheritance.
Comment: Based on the classification scheme VCGS_Germline_v1.3.4, this variant is classified as VUS-3B. Following criteria are met: 0102 - Loss of function is a known mechanism of disease in this gene and is associated with Alopecia-neuroectodermal syndrome 4 (MIM#618840), cataract 44 (MIM#616509), hypotrichosis 14 (MIM#618275). (I) 0106 - This gene is associated with autosomal recessive disease. Pathogenic variants giving rise to ocular abnormalities are more likely to be in the C-terminal domain while pathogenic variants giving rise to hair loss are more likely to be in the N-terminal domain (PMIDs: 30401459, 33155697). (I) 0115 - Variants in this gene are known to have variable expressivity. Intra and inter-familial variability have been reported with respect to epilepsy or brain anomaly (PMID: 30723320). (I) 0208 - Variant is predicted to result in an elongated protein. (SP) 0251 - This variant is heterozygous. (I) 0304 - Variant is present in gnomAD <0.01 for a recessive condition (v2: 5 heterozygotes, 0 homozygotes). (SP) 0705 - No comparable downstream truncating variants have previous evidence for pathogenicity. (I) 0807 - This variant has no previous evidence of pathogenicity. (I) 0905 - No published segregation evidence has been identified for this variant. (I) 1007 - No published functional evidence has been identified for this variant. (I) 1208 - Inheritance information for this variant is not currently available in this individual. (I) Legend: (SP) - Supporting pathogenic, (I) - Information, (SB) - Supporting benign

Literature cited by the submitters: PubMed 30401459 (cited by Victorian Clinical Genetics Services, Murdoch Childrens Research Institute); PubMed 30723320 (cited by Victorian Clinical Genetics Services, Murdoch Childrens Research Institute); PubMed 33155697 (cited by Victorian Clinical Genetics Services, Murdoch Childrens Research Institute).

NM_002340.6(LSS):c.2149_2161del (p.Gly717fs)

Gene: LSS (lanosterol synthase; minus strand). Cytogenetic location: 21q22.3.
Variant type: Deletion.
Coding change: c.2149_2161del on transcript NM_002340.6 (MANE Select); coding-DNA positions 2149 to 2161, 13 bases deleted (GGCCGCTTCTCCC).
Protein change: p.Gly717fs; shifts the reading frame from glycine 717.
Molecular consequence: frameshift variant.
Genome position (GRCh38, 1-based): chr21:46,191,142-46,191,154, GGGAGAAGCGGCC deleted on the plus strand (GGCCGCTTCTCCC on the coding strand, the reverse complement: LSS is on the minus strand); deleting any 13 consecutive bases within chr21:46,191,142-46,191,155 gives the same sequence; the c. name uses the placement nearest the transcript's 3' end. VCF-style (leftmost placement, unchanged base first): chr21-46191141-TGGGAGAAGCGGCC-T. GRCh37 (hg19) VCF-style: chr21-47611055-TGGGAGAAGCGGCC-T.
Other names: c.2149_2161del, p.Gly717fs (NM_001001438.3); c.2116_2128del, p.Gly706fs (NM_001145436.2); c.1909_1921del, p.Gly637fs (NM_001145437.2); c.1909_1921del (NM_001145437.1); short protein forms G637fs, G706fs, G717fs.
Identifiers: ClinVar variation 1805095 (VCV001805095.7), dbSNP rs747990816, ClinGen allele CA10074570.